The following is an entry in ClinVar:

NM_001080517.3(SETD5):c.4295G>C (p.Gly1432Ala)

Gene: SETD5 (SET domain containing 5; plus strand). Cytogenetic location: 3p25.3.
Variant type: single nucleotide variant.
Coding change: c.4295G>C on transcript NM_001080517.3 (MANE Select); coding-DNA position 4295, G replaced by C.
Protein change: p.Gly1432Ala; replaces glycine 1432 with alanine.
Molecular consequence: missense variant.
Genome position (GRCh38, 1-based): chr3:9,476,057, G>C. VCF-style: chr3-9476057-G-C. GRCh37 (hg19) VCF-style: chr3-9517741-G-C.
Other names: c.4001G>C, p.Gly1334Ala (NM_001292043.2, NM_001349451.2); short protein forms G1334A, G1432A.
Identifiers: ClinVar variation 2997639 (VCV002997639.3), dbSNP rs780221808, ClinGen allele CA351695655.

ClinVar aggregate classification (germline): Uncertain significance (1 of 4 stars; one submission).

Submission:

Labcorp Genetics (formerly Invitae), Labcorp
Classification: Uncertain significance. Last evaluated: 2024-01-05. Review status: criteria provided, single submitter. Criteria: Invitae Variant Classification Sherloc (09022015). Collection method: clinical testing. Allele origin: germline.
Comment: This sequence change replaces glycine, which is neutral and non-polar, with alanine, which is neutral and non-polar, at codon 1432 of the SETD5 protein (p.Gly1432Ala). This variant is present in population databases (no rsID available, gnomAD 0.003%). This variant has not been reported in the literature in individuals affected with SETD5-related conditions. Advanced modeling of protein sequence and biophysical properties (such as structural, functional, and spatial information, amino acid conservation, physicochemical variation, residue mobility, and thermodynamic stability) has been performed at Invitae for this missense variant, however the output from this modeling did not meet the statistical confidence thresholds required to predict the impact of this variant on SETD5 protein function. In summary, the available evidence is currently insufficient to determine the role of this variant in disease. Therefore, it has been classified as a Variant of Uncertain Significance.